The following is an entry in ClinVar:

ClinVar aggregate classification (germline): Uncertain significance (1 of 4 stars; one submission).

Conditions:
Hereditary spastic paraplegia 63. Also called: Spastic paraplegia 63, autosomal recessive. Identifiers: Orphanet 401805, MedGen C3810295, MONDO:0014305, OMIM 615686.
Pontocerebellar hypoplasia type 9. Identifiers: Orphanet 369920, MedGen C4014354, MONDO:0014351, OMIM 615809.

Allele frequency attached by ClinVar (database versions not stated): gnomAD exomes below 0.00001 and 0.00001; ExAC 0.00001; gnomAD 0.00003; 1000 Genomes Project 30x 0.00031; 1000 Genomes Project 0.00040.
gnomAD v4.1: 8 of 1,612,290 alleles (0.0005%); highest among the groups gnomAD compares: Middle Eastern, 0.017%; no homozygotes.

Submission:

Labcorp Genetics (formerly Invitae), Labcorp
Classification: Uncertain significance for Pontocerebellar hypoplasia type 9; Hereditary spastic paraplegia 63. Last evaluated: 2023-11-27. Review status: criteria provided, single submitter. Criteria: Invitae Variant Classification Sherloc (09022015). Collection method: clinical testing. Allele origin: germline.
Comment: This sequence change replaces proline, which is neutral and non-polar, with leucine, which is neutral and non-polar, at codon 233 of the AMPD2 protein (p.Pro233Leu). This variant is present in population databases (rs567095077, gnomAD 0.01%). This variant has not been reported in the literature in individuals affected with AMPD2-related conditions. ClinVar contains an entry for this variant (Variation ID: 1466182). An algorithm developed to predict the effect of missense changes on protein structure and function (PolyPhen-2) suggests that this variant is likely to be disruptive. In summary, the available evidence is currently insufficient to determine the role of this variant in disease. Therefore, it has been classified as a Variant of Uncertain Significance.

NM_001368809.2(AMPD2):c.536C>T (p.Pro179Leu)

Gene: AMPD2 (adenosine monophosphate deaminase 2; plus strand). Cytogenetic location: 1p13.3.
Variant type: single nucleotide variant.
Coding change: c.536C>T on transcript NM_001368809.2 (MANE Select); coding-DNA position 536, C replaced by T.
Protein change: p.Pro179Leu; replaces proline 179 with leucine.
Molecular consequence: missense variant.
Genome position (GRCh38, 1-based): chr1:109,626,730, C>T. VCF-style: chr1-109626730-C-T. GRCh37 (hg19) VCF-style: chr1-110169352-C-T.
Other names: c.344C>T, p.Pro115Leu (NM_001257361.2); c.473C>T, p.Pro158Leu (NM_001308170.1); c.536C>T, p.Pro179Leu (NM_004037.9); c.455C>T, p.Pro152Leu (NM_139156.4); short protein forms P152L, P179L, P115L, P158L.
Identifiers: ClinVar variation 1466182 (VCV001466182.8), dbSNP rs567095077, ClinGen allele CA992838.